The following is an entry in ClinVar:

NM_001394998.1(TANC2):c.2369A>T (p.His790Leu)

Gene: TANC2 (tetratricopeptide repeat, ankyrin repeat and coiled-coil containing 2; plus strand). Cytogenetic location: 17q23.3.
Variant type: single nucleotide variant.
Coding change: c.2369A>T on transcript NM_001394998.1 (MANE Select); coding-DNA position 2369, A replaced by T.
Protein change: p.His790Leu; replaces histidine 790 with leucine.
Molecular consequence: missense variant.
Genome position (GRCh38, 1-based): chr17:63,355,177, A>T. VCF-style: chr17-63355177-A-T. GRCh37 (hg19) VCF-style: chr17-61432538-A-T.
Other names: c.2147A>T, p.His716Leu (NM_001411076.1, NM_025185.4); short protein forms H716L, H790L.
Identifiers: ClinVar variation 2672708 (VCV002672708.23), dbSNP rs2510100451, ClinGen allele CA400524579.

ClinVar aggregate classification (germline): Uncertain significance (1 of 4 stars; one submission).

Allele frequency attached by ClinVar (database versions not stated): gnomAD exomes below 0.00001.
gnomAD v4.1: 1 of 1,613,698 alleles (0.000062%); highest among the groups gnomAD compares: Non-Finnish European, 0.000085%; no homozygotes.

Submission:

CeGaT Center for Human Genetics Tuebingen
Classification: Uncertain significance. Last evaluated: 2023-11-01. Review status: criteria provided, single submitter. Criteria: CeGaT Center For Human Genetics Tuebingen Variant Classification Criteria Version 2. Collection method: clinical testing. Allele origin: germline. Affected: yes. Observed: 1 variant allele.
Comment: TANC2: PM2